The following is an entry in ClinVar:

NM_006014.5(LAGE3):c.389T>A (p.Val130Glu)

Gene: LAGE3 (L antigen family member 3; minus strand). Cytogenetic location: Xq28.
Variant type: single nucleotide variant.
Coding change: c.389T>A on transcript NM_006014.5 (MANE Select); coding-DNA position 389, T replaced by A.
Protein change: p.Val130Glu; replaces valine 130 with glutamic acid.
Molecular consequence: missense variant.
Genome position (GRCh38, 1-based): chrX:154,477,987, A>T on the plus strand (T>A on the coding strand, the complement: LAGE3 is on the minus strand). VCF-style: chrX-154477987-A-T. GRCh37 (hg19) VCF-style: chrX-153706326-A-T.
Other names: short protein forms V130E.
Identifiers: ClinVar variation 4852388 (VCV004852388.1).

ClinVar aggregate classification (germline): Uncertain significance (1 of 4 stars; one submission).

Conditions:
Galloway-Mowat syndrome 2, X-linked. Identifiers: MedGen C4538784, MONDO:0033006, OMIM 301006.

Submission:

MVZ Medizinische Genetik Mainz
Classification: Uncertain significance for Galloway-Mowat syndrome 2, X-linked. Last evaluated: 2026-04-22. Review status: criteria provided, single submitter. Criteria: UK Practice Guidelines For Variant Classification V4 01 2020. Collection method: clinical testing. Allele origin: germline. Inheritance: X-linked dominant inheritance. Affected: yes. Observed: 1 variant allele.
Comment: ACMG Criteria: PS1_SUP,PM1_SUP,PM2_SUP